The following is an entry in ClinVar:

ClinVar aggregate classification (germline): Uncertain significance (1 of 4 stars; one submission).

Conditions:
Fibrous dysplasia of jaw (CRBM). Also called: Cherubism. Identifiers: Orphanet 184, MedGen C0008029, MONDO:0007315, OMIM 118400.

Submission:

Labcorp Genetics (formerly Invitae), Labcorp
Classification: Uncertain significance for Fibrous dysplasia of jaw. Last evaluated: 2021-07-16. Review status: criteria provided, single submitter. Criteria: Invitae Variant Classification Sherloc (09022015). Collection method: clinical testing. Allele origin: germline.
Comment: In summary, the available evidence is currently insufficient to determine the role of this variant in disease. Therefore, it has been classified as a Variant of Uncertain Significance. Algorithms developed to predict the effect of missense changes on protein structure and function are either unavailable or do not agree on the potential impact of this missense change (SIFT: "Deleterious"; PolyPhen-2: "Probably Damaging"; Align-GVGD: "Class C0"). This sequence change replaces proline with leucine at codon 207 of the SH3BP2 protein (p.Pro207Leu). The proline residue is highly conserved and there is a moderate physicochemical difference between proline and leucine. This variant is not present in population databases (ExAC no frequency). This variant has not been reported in the literature in individuals affected with SH3BP2-related conditions.

NM_001122681.2(SH3BP2):c.620C>T (p.Pro207Leu)

Gene: SH3BP2 (SH3 domain binding protein 2; plus strand). Cytogenetic location: 4p16.3.
Variant type: single nucleotide variant.
Coding change: c.620C>T on transcript NM_001122681.2 (MANE Select); coding-DNA position 620, C replaced by T.
Protein change: p.Pro207Leu; replaces proline 207 with leucine.
Molecular consequence: missense variant.
Genome position (GRCh38, 1-based): chr4:2,829,526, C>T. VCF-style: chr4-2829526-C-T. GRCh37 (hg19) VCF-style: chr4-2831253-C-T.
Other names: c.704C>T, p.Pro235Leu (NM_001145855.2); c.791C>T, p.Pro264Leu (NM_001145856.2); c.620C>T, p.Pro207Leu (NM_003023.4); short protein forms P207L, P235L, P264L.
Identifiers: ClinVar variation 1367864 (VCV001367864.8), dbSNP rs2108738398, ClinGen allele CA356055566.